The following is an entry in ClinVar:

NM_001099922.3(ALG13):c.3326C>A (p.Ser1109Tyr)

Gene: ALG13 (ALG13 UDP-N-acetylglucosaminyltransferase subunit; plus strand). Cytogenetic location: Xq23.
Variant type: single nucleotide variant.
Coding change: c.3326C>A on transcript NM_001099922.3 (MANE Select); coding-DNA position 3326, C replaced by A.
Protein change: p.Ser1109Tyr; replaces serine 1109 with tyrosine.
Molecular consequence: missense variant. On other transcripts: non-coding transcript variant (1).
Genome position (GRCh38, 1-based): chrX:111,759,911, C>A. VCF-style: chrX-111759911-C-A. GRCh37 (hg19) VCF-style: chrX-111003139-C-A.
Other names: c.2777C>A, p.Ser926Tyr (NM_001257230.2, NM_001257234.2, NM_001257237.2); c.3092C>A, p.Ser1031Tyr (NM_001257231.2); c.3089C>A, p.Ser1030Tyr (NM_001324292.2); c.2603C>A, p.Ser868Tyr (NM_001324293.1); short protein forms S1030Y, S1031Y, S1109Y, S868Y, S926Y.
Identifiers: ClinVar variation 2574948 (VCV002574948.1), dbSNP rs2526598009, ClinGen allele CA414293663.
Genomic context (GRCh38, chrX:111,759,911, plus strand): 5'-TGCCAGATTATTCCTGTGTTCCCCCCTGGCATCCAGTTGGTACAGCATATGGTGGTTCTT[C>A]TCAAATTCATGGTGCTATAAATCCTGGGCCAATTGGCTGTATTGCTCCATCTCCCCCAGC-3'
Protein context (NP_001093392.1, residues 1099-1119): HPVGTAYGGS[Ser1109Tyr]QIHGAINPGP

ClinVar aggregate classification (germline): Uncertain significance (1 of 4 stars; one submission).

Submission:

GeneDx
Classification: Uncertain significance. Last evaluated: 2023-02-06. Review status: criteria provided, single submitter. Criteria: GeneDx Variant Classification Process June 2021. Collection method: clinical testing. Allele origin: germline. Affected: yes.
Comment: Not observed at significant frequency in large population cohorts (gnomAD); In silico analysis supports that this missense variant does not alter protein structure/function; Has not been previously published as pathogenic or benign to our knowledge